The following is an entry in ClinVar:

NM_201525.4(ADGRG1):c.*910T>C

Gene: ADGRG1 (adhesion G protein-coupled receptor G1; plus strand). Cytogenetic location: 16q21.
Variant type: single nucleotide variant.
Coding change: c.*910T>C on transcript NM_201525.4 (MANE Select); 910 bases downstream of the stop codon, T replaced by C.
Molecular consequence: 3 prime UTR variant.
Genome position (GRCh38, 1-based): chr16:57,664,492, T>C. VCF-style: chr16-57664492-T-C. GRCh37 (hg19) VCF-style: chr16-57698404-T-C.
Other names: c.*910T>C (NM_001145770.3, NM_001145771.3, NM_001145772.3 and 25 more transcripts).
Identifiers: ClinVar variation 888181 (VCV000888181.4), dbSNP rs7191189, ClinGen allele CA14315054.

ClinVar aggregate classification (germline): Benign (1 of 4 stars; one submission).

Conditions:
Bilateral frontoparietal polymicrogyria. Also called: CEREBELLAR ATAXIA WITH NEURONAL MIGRATION DEFECT; CORTICAL DYSPLASIA, COMPLEX, WITH OTHER BRAIN MALFORMATIONS 14A (BILATERAL FRONTOPARIETAL). Identifiers: Orphanet 101070, MedGen C1847352, MONDO:0011738, OMIM 606854.

Allele frequency attached by ClinVar (database versions not stated): gnomAD exomes 0.00485; gnomAD 0.03088 and 0.03299; 1000 Genomes Project 0.03435; TOPMed 0.03444; 1000 Genomes Project 30x 0.03857.
gnomAD v4.1: 4,644 of 152,416 alleles (3%); highest among the groups gnomAD compares: African/African-American, 11%; 238 homozygotes.

Submission:

Illumina Laboratory Services, Illumina
Classification: Benign for Bilateral frontoparietal polymicrogyria. Last evaluated: 2018-01-12. Review status: criteria provided, single submitter. Criteria: ICSL Variant Classification Criteria 13 December 2019. Collection method: clinical testing. Allele origin: germline.
Comment: This variant was observed in the ICSL laboratory as part of a predisposition screen in an ostensibly healthy population. It had not been previously curated by ICSL or reported in the Human Gene Mutation Database (HGMD: prior to June 1st, 2018), and was therefore a candidate for classification through an automated scoring system. Utilizing variant allele frequency, disease prevalence and penetrance estimates, and inheritance mode, an automated score was calculated to assess if this variant is too frequent to cause the disease. Based on the score and internal cut-off values, a variant classified as benign is not then subjected to further curation. The score for this variant resulted in a classification of benign for this disease.